The following is an entry in ClinVar:

ClinVar aggregate classification (germline): Benign/Likely benign. Review status: criteria provided, multiple submitters, no conflicts (2 of 4 stars). 3 submissions from 3 submitters: Benign (1); Likely benign (1). 1 of the submissions does not count toward it. Last evaluated 2025-12-17.

Conditions:
Oxoglutaricaciduria. Identifiers: Orphanet 31, MedGen C2752074, MONDO:0008759, OMIM 203740.

Allele frequency attached by ClinVar (database versions not stated): ExAC 0.00081; 1000 Genomes Project 30x 0.00187; gnomAD 0.00196 and 0.00209; 1000 Genomes Project 0.00200; TOPMed 0.00212; ESP Exome Variant Server 0.00300.
gnomAD v4.1: 781 of 1,613,516 alleles (0.048%); highest among the groups gnomAD compares: African/African-American, 0.6%; 5 homozygotes.

Submissions (3):

Labcorp Genetics (formerly Invitae), Labcorp
Classification: Benign for Oxoglutaricaciduria. Last evaluated: 2025-12-17. Review status: criteria provided, single submitter. Criteria: Invitae Variant Classification Sherloc (09022015). Collection method: clinical testing. Allele origin: germline.

CeGaT Center for Human Genetics Tuebingen
Classification: Likely benign. Last evaluated: 2022-05-01. Review status: criteria provided, single submitter. Criteria: CeGaT Center For Human Genetics Tuebingen Variant Classification Criteria Version 2. Collection method: clinical testing. Allele origin: germline. Affected: yes. Observed: 1 variant allele.
Comment: OGDH: BP4

Mayo Clinic Laboratories, Mayo Clinic
Classification: Likely benign. Last evaluated: 2016-02-25. Review status: no assertion criteria provided. Collection method: clinical testing. Allele origin: unknown. Not counted in ClinVar's aggregate classification.

NM_002541.4(OGDH):c.936-7G>A

Gene: OGDH (oxoglutarate dehydrogenase; plus strand). Cytogenetic location: 7p13.
Variant type: single nucleotide variant.
Coding change: c.936-7G>A on transcript NM_002541.4 (MANE Select); 7 bases into the intron before coding-DNA position 936, G replaced by A.
Molecular consequence: intron variant.
Genome position (GRCh38, 1-based): chr7:44,675,171, G>A. VCF-style: chr7-44675171-G-A. GRCh37 (hg19) VCF-style: chr7-44714770-G-A.
Other names: c.969-7G>A (NM_001363523.2); c.924-7G>A (NM_001165036.2); c.936-7G>A (NM_001003941.3).
Identifiers: ClinVar variation 559271 (VCV000559271.37), dbSNP rs116644435, ClinGen allele CA4243697.